The following is an entry in ClinVar:

ClinVar aggregate classification (germline): Uncertain significance. Review status: criteria provided, multiple submitters, no conflicts (2 of 4 stars). 2 submissions from 2 submitters: Uncertain significance (2). Last evaluated 2025-01-01.

Conditions:
Dihydropyrimidine dehydrogenase deficiency (DPYDD). Also called: Hereditary Thymine-Uraciluria; DPD DEFICIENCY; DPYD DEFICIENCY. Identifiers: Orphanet 1675, MedGen C1959620, MONDO:0010130, OMIM 274270.

Allele frequency attached by ClinVar (database versions not stated): TOPMed 0.00002.
gnomAD v4.1: 27 of 1,613,278 alleles (0.0017%); highest among the groups gnomAD compares: South Asian, 0.0033%; no homozygotes.

Submissions (2):

CeGaT Center for Human Genetics Tuebingen
Classification: Uncertain significance. Last evaluated: 2025-01-01. Review status: criteria provided, single submitter. Criteria: CeGaT Center For Human Genetics Tuebingen Variant Classification Criteria Version 2. Collection method: clinical testing. Allele origin: germline. Affected: yes. Observed: 2 variant alleles.
Comment: DPYD: PM2

Illumina Laboratory Services, Illumina
Classification: Uncertain significance for Dihydropyrimidine dehydrogenase deficiency. Last evaluated: 2018-01-13. Review status: criteria provided, single submitter. Criteria: ICSL Variant Classification Criteria 13 December 2019. Collection method: clinical testing. Allele origin: germline.

NM_000110.4(DPYD):c.1349C>G (p.Ala450Gly)

Gene: DPYD (dihydropyrimidine dehydrogenase; minus strand). Cytogenetic location: 1p21.3.
Variant type: single nucleotide variant.
Coding change: c.1349C>G on transcript NM_000110.4 (MANE Select); coding-DNA position 1349, C replaced by G.
Protein change: p.Ala450Gly; replaces alanine 450 with glycine.
Molecular consequence: missense variant.
Genome position (GRCh38, 1-based): chr1:97,549,735, G>C on the plus strand (C>G on the coding strand, the complement: DPYD is on the minus strand). VCF-style: chr1-97549735-G-C. GRCh37 (hg19) VCF-style: chr1-98015291-G-C.
Other names: short protein forms A450G.
Identifiers: ClinVar variation 298294 (VCV000298294.18), dbSNP rs72975710, ClinGen allele CA963358.